The following is an entry in ClinVar:

NM_000189.5(HK2):c.962G>C (p.Gly321Ala)

Gene: HK2 (hexokinase 2; plus strand). Cytogenetic location: 2p12.
Variant type: single nucleotide variant.
Coding change: c.962G>C on transcript NM_000189.5 (MANE Select); coding-DNA position 962, G replaced by C.
Protein change: p.Gly321Ala; replaces glycine 321 with alanine.
Molecular consequence: missense variant.
Genome position (GRCh38, 1-based): chr2:74,877,252, G>C. VCF-style: chr2-74877252-G-C. GRCh37 (hg19) VCF-style: chr2-75104379-G-C.
Other names: c.878G>C, p.Gly293Ala (NM_001371525.2); short protein forms G293A, G321A.
Identifiers: ClinVar variation 3034089 (VCV003034089.2), dbSNP rs36066402, ClinGen allele CA1731270.

ClinVar aggregate classification (germline): Benign (0 of 4 stars; one submission).

Conditions:
HK2-related disorder. Also called: HK2-related condition.

Allele frequency attached by ClinVar (database versions not stated): 1000 Genomes Project 0.00759; 1000 Genomes Project 30x 0.00812; ESP Exome Variant Server 0.00630.
gnomAD v4.1: 1,656 of 1,614,156 alleles (0.1%); highest among the groups gnomAD compares: African/African-American, 1.8%; 11 homozygotes.

Submission:

PreventionGenetics, part of Exact Sciences
Classification: Benign for HK2-related condition. Last evaluated: 2019-09-24. Review status: no assertion criteria provided. Collection method: clinical testing. Allele origin: germline.
Comment: This variant is classified as benign based on ACMG/AMP sequence variant interpretation guidelines (Richards et al. 2015 PMID: 25741868, with internal and published modifications).